The following is an entry in ClinVar:

NM_001377.3(DYNC2H1):c.8550T>G (p.Asp2850Glu)

Gene: DYNC2H1 (dynein cytoplasmic 2 heavy chain 1; plus strand). Cytogenetic location: 11q22.3.
Variant type: single nucleotide variant.
Coding change: c.8550T>G on transcript NM_001377.3 (MANE Select); coding-DNA position 8550, T replaced by G.
Protein change: p.Asp2850Glu; replaces aspartic acid 2850 with glutamic acid.
Molecular consequence: missense variant.
Genome position (GRCh38, 1-based): chr11:103,211,799, T>G. VCF-style: chr11-103211799-T-G. GRCh37 (hg19) VCF-style: chr11-103082528-T-G.
Other names: c.8550T>G, p.Asp2850Glu (NM_001080463.2); short protein forms D2850E.
Identifiers: ClinVar variation 1463382 (VCV001463382.7), dbSNP rs1863164629, ClinGen allele CA382260304.

ClinVar aggregate classification (germline): Uncertain significance (1 of 4 stars; one submission).

Conditions:
Jeune thoracic dystrophy. Also called: Jeune syndrome; Infantile thoracic dystrophy; Thoracic pelvic phalangeal dystrophy; Jeune's syndrome; Chondroectodermal dysplasia-like syndrome; Short-rib thoracic dysplasia. Identifiers: Orphanet 474, MedGen C0265275, MONDO:0018770.

Allele frequency attached by ClinVar (database versions not stated): TOPMed below 0.00001; gnomAD exomes 0.00001.
gnomAD v4.1: 7 of 1,350,462 alleles (0.00052%); highest among the groups gnomAD compares: Non-Finnish European, 0.00069%; no homozygotes.

Submission:

Labcorp Genetics (formerly Invitae), Labcorp
Classification: Uncertain significance for Jeune thoracic dystrophy. Last evaluated: 2021-05-10. Review status: criteria provided, single submitter. Criteria: Invitae Variant Classification Sherloc (09022015). Collection method: clinical testing. Allele origin: germline.
Comment: This sequence change replaces aspartic acid with glutamic acid at codon 2850 of the DYNC2H1 protein (p.Asp2850Glu). The aspartic acid residue is highly conserved and there is a small physicochemical difference between aspartic acid and glutamic acid. This variant is not present in population databases (ExAC no frequency). This variant has not been reported in the literature in individuals with DYNC2H1-related conditions. Advanced modeling of protein sequence and biophysical properties (such as structural, functional, and spatial information, amino acid conservation, physicochemical variation, residue mobility, and thermodynamic stability) performed at Invitae indicates that this missense variant is not expected to disrupt DYNC2H1 protein function. In summary, the available evidence is currently insufficient to determine the role of this variant in disease. Therefore, it has been classified as a Variant of Uncertain Significance.